The following is an entry in ClinVar:

NM_001813.3(CENPE):c.6784C>T (p.Leu2262=)

Gene: CENPE (centromere protein E; minus strand). Cytogenetic location: 4q24.
Variant type: single nucleotide variant.
Coding change: c.6784C>T on transcript NM_001813.3 (MANE Select); coding-DNA position 6784, C replaced by T.
Protein change: p.Leu2262=; no amino-acid change (leucine 2262 retained).
Molecular consequence: synonymous variant.
Genome position (GRCh38, 1-based): chr4:103,132,833, G>A on the plus strand (C>T on the coding strand, the complement: CENPE is on the minus strand). VCF-style: chr4-103132833-G-A. GRCh37 (hg19) VCF-style: chr4-104053990-G-A.
Other names: c.6421C>T, p.Leu2141= (NM_001286734.2).
Identifiers: ClinVar variation 4534413 (VCV004534413.6).

ClinVar aggregate classification (germline): Likely benign (1 of 4 stars; one submission).

gnomAD v4.1: 17 of 1,568,914 alleles (0.0011%); highest among the groups gnomAD compares: Non-Finnish European, 0.0015%; no homozygotes.

Submission:

CeGaT Center for Human Genetics Tuebingen
Classification: Likely benign. Last evaluated: 2025-11-01. Review status: criteria provided, single submitter. Criteria: CeGaT Center For Human Genetics Tuebingen Variant Classification Criteria Version 2. Collection method: clinical testing. Allele origin: germline. Affected: yes. Observed: 1 variant allele.
Comment: CENPE: BP4, BP7